The following is an entry in ClinVar:

ClinVar aggregate classification (germline): Uncertain significance (1 of 4 stars; one submission).

Conditions:
Hereditary cancer-predisposing syndrome. Also called: Hereditary neoplastic syndrome; Neoplastic Syndromes, Hereditary; Tumor predisposition; Hereditary Cancer Syndrome. Identifiers: Orphanet 140162, MedGen C0027672, MeSH D009386, MONDO:0015356.

Allele frequency attached by ClinVar (database versions not stated): TOPMed 0.00001.

Submission:

Ambry Genetics
Classification: Uncertain significance for Hereditary cancer-predisposing syndrome. Last evaluated: 2019-08-22. Review status: criteria provided, single submitter. Criteria: Ambry Variant Classification Scheme 2023. Collection method: clinical testing. Allele origin: germline.
Comment: The p.K290R variant (also known as c.869A>G), located in coding exon 8 of the MRE11A gene, results from an A to G substitution at nucleotide position 869. The lysine at codon 290 is replaced by arginine, an amino acid with highly similar properties. This amino acid position is highly conserved in available vertebrate species. In addition, the in silico prediction for this alteration is inconclusive. Since supporting evidence is limited at this time, the clinical significance of this alteration remains unclear.

NM_005591.4(MRE11):c.869A>G (p.Lys290Arg)

Gene: MRE11 (MRE11 double strand break repair nuclease; minus strand). Cytogenetic location: 11q21.
Variant type: single nucleotide variant.
Coding change: c.869A>G on transcript NM_005591.4 (MANE Select); coding-DNA position 869, A replaced by G.
Protein change: p.Lys290Arg; replaces lysine 290 with arginine.
Molecular consequence: missense variant.
Genome position (GRCh38, 1-based): chr11:94,470,619, T>C on the plus strand (A>G on the coding strand, the complement: MRE11 is on the minus strand). VCF-style: chr11-94470619-T-C. GRCh37 (hg19) VCF-style: chr11-94203785-T-C.
Other names: c.869A>G, p.Lys290Arg (NM_001330347.2, NM_005590.4); short protein forms K290R.
Identifiers: ClinVar variation 185050 (VCV000185050.5), dbSNP rs786201891, ClinGen allele CA190876.